The following is an entry in ClinVar:

NM_005908.4(MANBA):c.674-5T>G

Gene: MANBA (mannosidase beta; minus strand). Cytogenetic location: 4q24.
Variant type: single nucleotide variant.
Coding change: c.674-5T>G on transcript NM_005908.4 (MANE Select); 5 bases into the intron before coding-DNA position 674, T replaced by G.
Molecular consequence: intron variant.
Genome position (GRCh38, 1-based): chr4:102,690,776, A>C on the plus strand (T>G on the coding strand, the complement: MANBA is on the minus strand). VCF-style: chr4-102690776-A-C. GRCh37 (hg19) VCF-style: chr4-103611933-A-C.
Identifiers: ClinVar variation 3051936 (VCV003051936.2), dbSNP rs1212032459, ClinGen allele CA554048707.

ClinVar aggregate classification (germline): Likely benign (0 of 4 stars; one submission).

Conditions:
MANBA-related disorder. Also called: MANBA-related condition.

Allele frequency attached by ClinVar (database versions not stated): gnomAD exomes below 0.00001; TOPMed below 0.00001.
gnomAD v4.1: 2 of 1,363,838 alleles (0.00015%); highest among the groups gnomAD compares: Middle Eastern, 0.019%; no homozygotes.

Submission:

PreventionGenetics, part of Exact Sciences
Classification: Likely benign for MANBA-related condition. Last evaluated: 2023-09-29. Review status: no assertion criteria provided. Collection method: clinical testing. Allele origin: germline.
Comment: This variant is classified as likely benign based on ACMG/AMP sequence variant interpretation guidelines (Richards et al. 2015 PMID: 25741868, with internal and published modifications).